The following is an entry in ClinVar:

NM_000179.3(MSH6):c.2396T>C (p.Met799Thr)

Gene: MSH6 (mutS homolog 6; plus strand). Cytogenetic location: 2p16.3.
Variant type: single nucleotide variant.
Coding change: c.2396T>C on transcript NM_000179.3 (MANE Select); coding-DNA position 2396, T replaced by C.
Protein change: p.Met799Thr; replaces methionine 799 with threonine.
Molecular consequence: missense variant.
Genome position (GRCh38, 1-based): chr2:47,800,379, T>C. VCF-style: chr2-47800379-T-C. GRCh37 (hg19) VCF-style: chr2-48027518-T-C.
Other names: c.2006T>C, p.Met669Thr (NM_001281492.2); c.1490T>C, p.Met497Thr (NM_001281493.2, NM_001281494.2); c.2396T>C (NM_000179.2); short protein forms M497T, M669T, M799T.
Identifiers: ClinVar variation 1401007 (VCV001401007.10), dbSNP rs2104404527, ClinGen allele CA346753890.

ClinVar aggregate classification (germline): Uncertain significance. Review status: criteria provided, multiple submitters, no conflicts (2 of 4 stars). 2 submissions from 2 submitters: Uncertain significance (2). Last evaluated 2023-04-18.

Conditions:
Hereditary nonpolyposis colorectal neoplasms. Identifiers: MedGen C0009405, MeSH D003123.
Hereditary cancer-predisposing syndrome. Also called: Hereditary Cancer Syndrome; Hereditary neoplastic syndrome; Tumor predisposition; Neoplastic Syndromes, Hereditary. Identifiers: Orphanet 140162, MedGen C0027672, MeSH D009386, MONDO:0015356.

Allele frequency attached by ClinVar (database versions not stated): gnomAD exomes below 0.00001.
gnomAD v4.1: 4 of 1,614,128 alleles (0.00025%); highest among the groups gnomAD compares: Non-Finnish European, 0.00034%; no homozygotes.

Submissions (2):

Ambry Genetics
Classification: Uncertain significance for Hereditary cancer-predisposing syndrome. Last evaluated: 2023-04-18. Review status: criteria provided, single submitter. Criteria: Ambry Variant Classification Scheme 2023. Collection method: clinical testing. Allele origin: germline.
Comment: The p.M799T variant (also known as c.2396T>C), located in coding exon 4 of the MSH6 gene, results from a T to C substitution at nucleotide position 2396. The methionine at codon 799 is replaced by threonine, an amino acid with similar properties. This amino acid position is conserved. In addition, this alteration is predicted to be deleterious by in silico analysis. Since supporting evidence is limited at this time, the clinical significance of this alteration remains unclear.

Labcorp Genetics (formerly Invitae), Labcorp
Classification: Uncertain significance for Hereditary nonpolyposis colorectal neoplasms. Last evaluated: 2021-02-13. Review status: criteria provided, single submitter. Criteria: Invitae Variant Classification Sherloc (09022015). Collection method: clinical testing. Allele origin: germline.
Comment: This sequence change replaces methionine with threonine at codon 799 of the MSH6 protein (p.Met799Thr). The methionine residue is highly conserved and there is a moderate physicochemical difference between methionine and threonine. In summary, the available evidence is currently insufficient to determine the role of this variant in disease. Therefore, it has been classified as a Variant of Uncertain Significance. Advanced modeling of protein sequence and biophysical properties (such as structural, functional, and spatial information, amino acid conservation, physicochemical variation, residue mobility, and thermodynamic stability) performed at Invitae indicates that this missense variant is not expected to disrupt MSH6 protein function. This variant has not been reported in the literature in individuals with MSH6-related conditions. This variant is not present in population databases (ExAC no frequency).